The following is an entry in ClinVar:

ClinVar aggregate classification (germline): Uncertain significance. Review status: criteria provided, multiple submitters, no conflicts (2 of 4 stars). 2 submissions from 2 submitters: Uncertain significance (2). Last evaluated 2024-10-17.

Conditions:
Fanconi anemia (FA). Also called: Fanconi's anemia. Identifiers: Orphanet 84, MedGen C0015625, MeSH D005199, MONDO:0019391.
Spermatogenic failure 28. Identifiers: MedGen C4748117, MONDO:0054732, OMIM 618086.
Premature ovarian failure 15. Identifiers: MedGen C4748170, MONDO:0054862, OMIM 618096.

Allele frequency attached by ClinVar (database versions not stated): gnomAD exomes 0.00002; gnomAD 0.00003; TOPMed 0.00005; 1000 Genomes Project 0.00020; 1000 Genomes Project 30x 0.00031.
gnomAD v4.1: 34 of 1,607,298 alleles (0.0021%); highest among the groups gnomAD compares: East Asian, 0.074%; no homozygotes.

Submissions (2):

Labcorp Genetics (formerly Invitae), Labcorp
Classification: Uncertain significance for Fanconi anemia. Last evaluated: 2024-10-17. Review status: criteria provided, single submitter. Criteria: Invitae Variant Classification Sherloc (09022015). Collection method: clinical testing. Allele origin: germline.
Comment: This sequence change replaces aspartic acid, which is acidic and polar, with asparagine, which is neutral and polar, at codon 2047 of the FANCM protein (p.Asp2047Asn). This variant is present in population databases (rs192079020, gnomAD 0.2%). This variant has not been reported in the literature in individuals affected with FANCM-related conditions. ClinVar contains an entry for this variant (Variation ID: 843385). An algorithm developed to predict the effect of missense changes on protein structure and function outputs the following: PolyPhen-2: "Benign". The asparagine amino acid residue is found in multiple mammalian species, which suggests that this missense change does not adversely affect protein function. In summary, the available evidence is currently insufficient to determine the role of this variant in disease. Therefore, it has been classified as a Variant of Uncertain Significance.

Fulgent Genetics
Classification: Uncertain significance for Spermatogenic failure 28; Premature ovarian failure 15. Last evaluated: 2022-05-03. Review status: criteria provided, single submitter. Criteria: ACMG Guidelines, 2015. Collection method: clinical testing. Allele origin: unknown.

NM_020937.4(FANCM):c.6139G>A (p.Asp2047Asn)

Gene: FANCM (FA complementation group M; plus strand). Cytogenetic location: 14q21.2.
Variant type: single nucleotide variant.
Coding change: c.6139G>A on transcript NM_020937.4 (MANE Select); coding-DNA position 6139, G replaced by A.
Protein change: p.Asp2047Asn; replaces aspartic acid 2047 with asparagine.
Molecular consequence: missense variant.
Genome position (GRCh38, 1-based): chr14:45,200,000, G>A. VCF-style: chr14-45200000-G-A. GRCh37 (hg19) VCF-style: chr14-45669203-G-A.
Other names: c.6061G>A, p.Asp2021Asn (NM_001308133.2); short protein forms D2021N, D2047N.
Identifiers: ClinVar variation 843385 (VCV000843385.8), dbSNP rs192079020, ClinGen allele CA7170138.